The following is an entry in ClinVar:

ClinVar aggregate classification (germline): Likely pathogenic (1 of 4 stars; one submission).

Submission:

Labcorp Genetics (formerly Invitae), Labcorp
Classification: Likely pathogenic. Last evaluated: 2023-11-14. Review status: criteria provided, single submitter. Criteria: Invitae Variant Classification Sherloc (09022015). Collection method: clinical testing. Allele origin: germline.
Comment: This sequence change affects a donor splice site in intron 6 of the HPS5 gene. It is expected to disrupt RNA splicing. Variants that disrupt the donor or acceptor splice site typically lead to a loss of protein function (PMID: 16199547), and loss-of-function variants in HPS5 are known to be pathogenic (PMID: 12548288, 15296495, 21833017, 26785811). This variant is not present in population databases (gnomAD no frequency). This variant has not been reported in the literature in individuals affected with HPS5-related conditions. Algorithms developed to predict the effect of sequence changes on RNA splicing suggest that this variant may disrupt the consensus splice site. In summary, the currently available evidence indicates that the variant is pathogenic, but additional data are needed to prove that conclusively. Therefore, this variant has been classified as Likely Pathogenic.

Literature cited by the submitters: PubMed 16199547; PubMed 12548288; PubMed 15296495; PubMed 21833017; PubMed 26785811.

NM_181507.2(HPS5):c.611+1G>A

Gene: HPS5 (HPS5 biogenesis of lysosomal organelles complex 2 subunit 2; minus strand). Cytogenetic location: 11p15.1.
Variant type: single nucleotide variant.
Coding change: c.611+1G>A on transcript NM_181507.2 (MANE Select); the canonical splice donor site of the intron after coding-DNA position 611, G replaced by A.
Molecular consequence: splice donor variant.
Genome position (GRCh38, 1-based): chr11:18,308,945, C>T on the plus strand (G>A on the coding strand, the complement: HPS5 is on the minus strand). VCF-style: chr11-18308945-C-T. GRCh37 (hg19) VCF-style: chr11-18330492-C-T.
Other names: c.269+1G>A (NM_001440925.1, NM_001440920.1, NM_001440928.1 and 10 more transcripts); c.500+1G>A (NM_001440914.1, NM_001440913.1, NM_001440915.1); c.611+1G>A (NM_001440905.1, NM_001440903.1, NM_001440919.1 and 6 more transcripts); c.536+1G>A (NM_001440907.1, NM_001440909.1, NM_001440908.1); c.425+1G>A (NM_001440918.1).
Identifiers: ClinVar variation 2758204 (VCV002758204.3), dbSNP rs2494152958, ClinGen allele CA379503510.
Genomic context (GRCh38, chr11:18,308,945, plus strand): 5'-TCTAAGTTCCTCCCAGTTCTAAAATTCTGCATTTCTGATGACTAATGGTTGGTCAATATA[C>T]CTCTCAGTGTCACACAAGAAGGATCGAGTAAGTGAAGATATAAGTAGCCTTCCATCCAAA-3'